The following is an entry in ClinVar:

NM_000090.4(COL3A1):c.1149+6T>C

Gene: COL3A1 (collagen type III alpha 1 chain; plus strand). Cytogenetic location: 2q32.2.
Variant type: single nucleotide variant.
Coding change: c.1149+6T>C on transcript NM_000090.4 (MANE Select); 6 bases into the intron after coding-DNA position 1149, T replaced by C.
Molecular consequence: intron variant.
Genome position (GRCh38, 1-based): chr2:188,993,465, T>C. VCF-style: chr2-188993465-T-C. GRCh37 (hg19) VCF-style: chr2-189858191-T-C.
Identifiers: ClinVar variation 2775101 (VCV002775101.3), dbSNP rs2469126397, ClinGen allele CA2697551448.

ClinVar aggregate classification (germline): Uncertain significance. Review status: criteria provided, multiple submitters, no conflicts (2 of 4 stars). 2 submissions from 2 submitters: Uncertain significance (2). Last evaluated 2025-09-01.

Conditions:
Familial thoracic aortic aneurysm and aortic dissection (TAAD). Also called: Thoracic aortic aneurysms and dissections. Identifiers: Orphanet 91387, MedGen C4707243, MONDO:0019625.
Ehlers-Danlos syndrome, type 4 (EDSVASC). Also called: Ehlers-Danlos Syndrome Type IV; Ehlers-Danlos syndrome vascular type; Ehlers Danlos syndrome, ecchymotic type; Ehlers Danlos syndrome, arterial type; Ehlers Danlos syndrome, Sack-Barabas type. Identifiers: Orphanet 286, MedGen C0268338, MONDO:0017314, OMIM 130050.

Submissions (2):

Labcorp Genetics (formerly Invitae), Labcorp
Classification: Uncertain significance for Ehlers-Danlos syndrome, type 4. Last evaluated: 2025-09-01. Review status: criteria provided, single submitter. Criteria: Invitae Variant Classification Sherloc (09022015). Collection method: clinical testing. Allele origin: germline.
Comment: This sequence change falls in intron 16 of the COL3A1 gene. It does not directly change the encoded amino acid sequence of the COL3A1 protein. It affects a nucleotide within the consensus splice site. This variant is not present in population databases (gnomAD no frequency). This variant has been observed in individual(s) with COL3A1-related conditions (PMID: 37461200). ClinVar contains an entry for this variant (Variation ID: 2775101). Variants that disrupt the consensus splice site are a relatively common cause of aberrant splicing (PMID: 17576681, 9536098). Algorithms developed to predict the effect of sequence changes on RNA splicing suggest that this variant may disrupt the consensus splice site. In summary, the available evidence is currently insufficient to determine the role of this variant in disease. Therefore, it has been classified as a Variant of Uncertain Significance.

Color Diagnostics, LLC DBA Color Health
Classification: Uncertain significance for Familial thoracic aortic aneurysm and aortic dissection. Last evaluated: 2021-11-12. Review status: criteria provided, single submitter. Criteria: ACMG Guidelines, 2015. Collection method: clinical testing. Allele origin: germline.
Comment: This variant causes a T to C nucleotide substitution at the +6 position of intron 16 of the COL3A1 gene. Splice prediction tools and conservation analysis are inconclusive regarding the impact of this variant on RNA splicing. To our knowledge, functional studies have not been reported for this variant. This variant has not been reported in individuals affected with cardiovascular disorders in the literature. This variant has not been identified in the general population by the Genome Aggregation Database (gnomAD). The available evidence is insufficient to determine the role of this variant in disease conclusively. Therefore, this variant is classified as a Variant of Uncertain Significance.

Literature cited by the submitters: PubMed 37461200 (cited by Labcorp Genetics (formerly Invitae), Labcorp); PubMed 17576681 (cited by Labcorp Genetics (formerly Invitae), Labcorp); PubMed 9536098 (cited by Labcorp Genetics (formerly Invitae), Labcorp).